The following is an entry in ClinVar:

ClinVar aggregate classification (germline): Uncertain significance (1 of 4 stars; one submission).

Conditions:
Drash syndrome (DDS). Also called: NEPHROPATHY, WILMS TUMOR, AND GENITAL ANOMALIES; WILMS TUMOR AND PSEUDO- OR TRUE HERMAPHRODITISM. Identifiers: Orphanet 220, MedGen C0950121, MONDO:0008682, OMIM 194080.
Wilms tumor 1 (WT1). Also called: Wilms tumor, somatic. Identifiers: Orphanet 654, MedGen CN033288, MONDO:0008679, OMIM 194070.
11p partial monosomy syndrome (WAGR). Also called: WAGR syndrome; WAGR Complex; CHROMOSOME 11p13 DELETION SYNDROME; WAGR Spectrum Disorder. Identifiers: Orphanet 893, MedGen C0206115, MONDO:0008681, OMIM 194072.
Frasier syndrome. Identifiers: Orphanet 347, MedGen C0950122, MeSH D052159, MONDO:0007635, OMIM 136680.

Submission:

Labcorp Genetics (formerly Invitae), Labcorp
Classification: Uncertain significance for Wilms tumor 1; Drash syndrome; 11p partial monosomy syndrome; Frasier syndrome. Last evaluated: 2022-10-27. Review status: criteria provided, single submitter. Criteria: Invitae Variant Classification Sherloc (09022015). Collection method: clinical testing. Allele origin: germline.
Comment: This sequence change replaces asparagine, which is neutral and polar, with serine, which is neutral and polar, at codon 343 of the WT1 protein (p.Asn343Ser). This variant is not present in population databases (gnomAD no frequency). This variant has not been reported in the literature in individuals affected with WT1-related conditions. Algorithms developed to predict the effect of missense changes on protein structure and function output the following: SIFT: "Deleterious"; PolyPhen-2: "Benign"; Align-GVGD: "Class C0". The serine amino acid residue is found in multiple mammalian species, which suggests that this missense change does not adversely affect protein function. In summary, the available evidence is currently insufficient to determine the role of this variant in disease. Therefore, it has been classified as a Variant of Uncertain Significance.

NM_024426.6(WT1):c.1043A>G (p.Asn348Ser)

Gene: WT1 (WT1 transcription factor; minus strand). Cytogenetic location: 11p13.
Variant type: single nucleotide variant.
Coding change: c.1043A>G on transcript NM_024426.6 (MANE Select); coding-DNA position 1043, A replaced by G.
Protein change: p.Asn348Ser; replaces asparagine 348 with serine.
Molecular consequence: missense variant. On other transcripts: 5 prime UTR variant (1), non-coding transcript variant (2).
Genome position (GRCh38, 1-based): chr11:32,400,018, T>C on the plus strand (A>G on the coding strand, the complement: WT1 is on the minus strand). VCF-style: chr11-32400018-T-C. GRCh37 (hg19) VCF-style: chr11-32421564-T-C.
Other names: c.992A>G, p.Asn331Ser (NM_000378.6, NM_001407045.1, NM_001407048.1 and 1 more transcripts); c.392A>G, p.Asn131Ser (NM_001198551.2); c.341A>G, p.Asn114Ser (NM_001198552.2); c.-146A>G (NM_001367854.1); c.1037A>G, p.Asn346Ser (NM_001407044.1); c.1043A>G, p.Asn348Ser (NM_001407046.1, NM_024424.5); c.920A>G, p.Asn307Ser (NM_001407047.1); c.869A>G, p.Asn290Ser (NM_001407050.1); and 2 more; short protein forms N326S, N343S, N346S, N114S, N131S, N290S, N307S, N331S.
Identifiers: ClinVar variation 2933838 (VCV002933838.3), dbSNP rs2132958601, ClinGen allele CA379960472.